The following is an entry in ClinVar:

NM_001903.5(CTNNA1):c.1799C>G (p.Ser600Trp)

Gene: CTNNA1 (catenin alpha 1; plus strand). Cytogenetic location: 5q31.2.
Variant type: single nucleotide variant.
Coding change: c.1799C>G on transcript NM_001903.5 (MANE Select); coding-DNA position 1799, C replaced by G.
Protein change: p.Ser600Trp; replaces serine 600 with tryptophan.
Molecular consequence: missense variant.
Genome position (GRCh38, 1-based): chr5:138,925,307, C>G. VCF-style: chr5-138925307-C-G. GRCh37 (hg19) VCF-style: chr5-138260996-C-G.
Other names: c.1799C>G, p.Ser600Trp (NM_001290307.3, NM_001323982.2, NM_001323983.1 and 2 more transcripts); c.1490C>G, p.Ser497Trp (NM_001290309.3); c.1430C>G, p.Ser477Trp (NM_001290310.3); c.689C>G, p.Ser230Trp (NM_001290312.1, NM_001323987.1, NM_001323988.1 and 17 more transcripts); c.1706C>G, p.Ser569Trp (NM_001323986.2); c.350C>G, p.Ser117Trp (NM_001324006.1, NM_001324007.1, NM_001324008.1 and 2 more transcripts); c.596C>G, p.Ser199Trp (NM_001324011.1); c.446C>G, p.Ser149Trp (NM_001324012.1, NM_001324013.1); short protein forms S199W, S230W, S600W, S117W, S149W, S477W, S497W, S569W.
Identifiers: ClinVar variation 3498267 (VCV003498267.1).

ClinVar aggregate classification (germline): Uncertain significance (1 of 4 stars; one submission).

Conditions:
Hereditary cancer-predisposing syndrome. Also called: Tumor predisposition; Neoplastic Syndromes, Hereditary; Hereditary Cancer Syndrome; Hereditary neoplastic syndrome. Identifiers: Orphanet 140162, MedGen C0027672, MeSH D009386, MONDO:0015356.

gnomAD v4.1: 1 of 1,614,114 alleles (0.000062%); highest among the groups gnomAD compares: East Asian, 0.0022%; no homozygotes.

Submission:

Ambry Genetics
Classification: Uncertain significance for Hereditary cancer-predisposing syndrome. Last evaluated: 2024-11-16. Review status: criteria provided, single submitter. Criteria: Ambry Variant Classification Scheme 2023. Collection method: clinical testing. Allele origin: germline.
Comment: The p.S600W variant (also known as c.1799C>G), located in coding exon 12 of the CTNNA1 gene, results from a C to G substitution at nucleotide position 1799. The serine at codon 600 is replaced by tryptophan, an amino acid with highly dissimilar properties. This amino acid position is conserved. In addition, this alteration is predicted to be tolerated by in silico analysis. Based on the available evidence, the clinical significance of this variant remains unclear.